The following is an entry in ClinVar:

NM_000136.3(FANCC):c.996+1_996+2insGA

Genes: FANCC (FA complementation group C; minus strand), AOPEP (aminopeptidase O (putative); plus strand). Cytogenetic location: 9q22.32.
Variant type: Insertion.
Coding change: c.996+1_996+2insGA on transcript NM_000136.3 (MANE Select); the canonical splice donor site of the intron after coding-DNA position 996, GA inserted.
Molecular consequence: splice donor variant.
Genome position: GRCh38 VCF-style: chr9-95125084-A-ACT. GRCh37 (hg19) VCF-style: chr9-97887366-A-ACT.
Other names: c.996+1_996+2insGA (NM_001243743.2, NM_001243744.2); c.996+1_996+2insAG (NM_000136.3).
Identifiers: ClinVar variation 949816 (VCV000949816.11), dbSNP rs1825770738, ClinGen allele CA1139661059.

ClinVar aggregate classification (germline): Likely pathogenic. Review status: criteria provided, multiple submitters, no conflicts (2 of 4 stars). 3 submissions from 3 submitters: Likely pathogenic (3). Last evaluated 2023-05-20.

Conditions:
Hereditary cancer-predisposing syndrome. Also called: Tumor predisposition; Hereditary neoplastic syndrome; Neoplastic Syndromes, Hereditary; Hereditary Cancer Syndrome. Identifiers: Orphanet 140162, MedGen C0027672, MeSH D009386, MONDO:0015356.
Fanconi anemia complementation group C (FANCC). Also called: FANCONI PANCYTOPENIA, TYPE 3; FACC; Fanconi anemia, group C; FANCC-Related Fanconi Anemia. Identifiers: Orphanet 84, MedGen C3468041, MONDO:0009213, OMIM 227645.
Fanconi anemia (FA). Also called: Fanconi's anemia. Identifiers: Orphanet 84, MedGen C0015625, MeSH D005199, MONDO:0019391.

Submissions (3):

Ambry Genetics
Classification: Likely pathogenic for Hereditary cancer-predisposing syndrome. Last evaluated: 2023-05-20. Review status: criteria provided, single submitter. Criteria: Ambry Variant Classification Scheme 2023. Collection method: clinical testing. Allele origin: germline.
Comment: The c.996+1_996+2insAG intronic variant results from an insertion of two nucleotides between positions 996+1 and 996+2 after coding exon 9 of the FANCC gene. This variant is considered to be rare based on population cohorts in the Genome Aggregation Database (gnomAD). This nucleotide region is highly conserved in available vertebrate species. In silico splice site analysis predicts that this alteration will weaken the native splice donor site. Alterations that disrupt the canonical splice site are expected to cause aberrant splicing, resulting in an abnormal protein or a transcript that is subject to nonsense-mediated mRNA decay. As such, this alteration is classified as likely pathogenic.

Baylor Genetics
Classification: Likely pathogenic for Fanconi anemia complementation group C. Last evaluated: 2023-03-01. Review status: criteria provided, single submitter. Criteria: ACMG Guidelines, 2015. Collection method: clinical testing. Allele origin: unknown.

Labcorp Genetics (formerly Invitae), Labcorp
Classification: Likely pathogenic for Fanconi anemia. Last evaluated: 2021-01-15. Review status: criteria provided, single submitter. Criteria: Invitae Variant Classification Sherloc (09022015). Collection method: clinical testing. Allele origin: germline.
Comment: In summary, the currently available evidence indicates that the variant is pathogenic, but additional data are needed to prove that conclusively. Therefore, this variant has been classified as Likely Pathogenic. This sequence change affects a donor splice site in intron 10 of the FANCC gene. It is expected to disrupt RNA splicing and likely results in an absent or disrupted protein product. This variant is not present in population databases (ExAC no frequency). This variant has not been reported in the literature in individuals with FANCC-related conditions. Algorithms developed to predict the effect of sequence changes on RNA splicing suggest that this variant may disrupt the consensus splice site, but this prediction has not been confirmed by published transcriptional studies. Donor and acceptor splice site variants typically lead to a loss of protein function (PMID: 16199547), and loss-of-function variants in FANCC are known to be pathogenic (PMID: 17924555).

Literature cited by the submitters: PubMed 16199547 (cited by Labcorp Genetics (formerly Invitae), Labcorp); PubMed 17924555 (cited by Labcorp Genetics (formerly Invitae), Labcorp).